The following is an entry in ClinVar:

NM_178135.5(HSD17B13):c.501C>T (p.Ile167=)

Gene: HSD17B13 (hydroxysteroid 17-beta dehydrogenase 13; minus strand). Cytogenetic location: 4q22.1.
Variant type: single nucleotide variant.
Coding change: c.501C>T on transcript NM_178135.5 (MANE Select); coding-DNA position 501, C replaced by T.
Protein change: p.Ile167=; no amino-acid change (isoleucine 167 retained).
Molecular consequence: synonymous variant.
Genome position (GRCh38, 1-based): chr4:87,315,549, G>A on the plus strand (C>T on the coding strand, the complement: HSD17B13 is on the minus strand). VCF-style: chr4-87315549-G-A. GRCh37 (hg19) VCF-style: chr4-88236701-G-A.
Other names: c.393C>T, p.Ile131= (NM_001136230.3).
Identifiers: ClinVar variation 3250541 (VCV003250541.18), dbSNP rs138932958.

ClinVar aggregate classification (germline): Benign (1 of 4 stars; one submission).

Allele frequency attached by ClinVar (database versions not stated): 1000 Genomes Project 0.00419; 1000 Genomes Project 30x 0.00422; TOPMed 0.00957; ESP Exome Variant Server 0.00984; gnomAD 0.00987; ExAC 0.01052.
gnomAD v4.1: 19,861 of 1,611,580 alleles (1.2%); highest among the groups gnomAD compares: Non-Finnish European, 1.4%; 167 homozygotes.

Submission:

CeGaT Center for Human Genetics Tuebingen
Classification: Benign. Last evaluated: 2024-06-01. Review status: criteria provided, single submitter. Criteria: CeGaT Center For Human Genetics Tuebingen Variant Classification Criteria Version 2. Collection method: clinical testing. Allele origin: germline. Affected: yes. Observed: 1 variant allele.
Comment: HSD17B13: BP4, BP7, BS1, BS2